The following is an entry in ClinVar:

NM_004208.4(AIFM1):c.1061A>C (p.Glu354Ala)

Genes: AIFM1 (apoptosis inducing factor mitochondria associated 1; minus strand), RAB33A (RAB33A, member RAS oncogene family; plus strand). Cytogenetic location: Xq26.1.
Variant type: single nucleotide variant.
Coding change: c.1061A>C on transcript NM_004208.4 (MANE Select); coding-DNA position 1061, A replaced by C.
Protein change: p.Glu354Ala; replaces glutamic acid 354 with alanine.
Molecular consequence: missense variant. On other transcripts: 3 prime UTR variant (1), non-coding transcript variant (1).
Genome position (GRCh38, 1-based): chrX:130,137,092, T>G on the plus strand (A>C on the coding strand, the complement: AIFM1 is on the minus strand). VCF-style: chrX-130137092-T-G. GRCh37 (hg19) VCF-style: chrX-129271067-T-G.
Other names: c.44A>C, p.Glu15Ala (NM_001130846.4); c.*289A>C (NM_001130847.4); c.1049A>C, p.Glu350Ala (NM_145812.3); short protein forms E15A, E350A, E354A.
Identifiers: ClinVar variation 2443662 (VCV002443662.1), dbSNP rs2523120787, ClinGen allele CA414579171.

ClinVar aggregate classification (germline): Uncertain significance (1 of 4 stars; one submission).

Submission:

GeneDx
Classification: Uncertain significance. Last evaluated: 2022-09-12. Review status: criteria provided, single submitter. Criteria: GeneDx Variant Classification Process June 2021. Collection method: clinical testing. Allele origin: germline. Affected: yes.
Comment: Has not been previously published as pathogenic or benign to our knowledge; Not observed at significant frequency in large population cohorts (gnomAD); In silico analysis supports that this missense variant has a deleterious effect on protein structure/function